The following is an entry in ClinVar:

ClinVar aggregate classification (germline): Conflicting classifications of pathogenicity. Review status: criteria provided, conflicting classifications (1 of 4 stars). 7 submissions from 7 submitters: Uncertain significance (4); Likely benign (2). 1 of the submissions does not count toward it. Last evaluated 2026-01-29.

Conditions:
Propionic acidemia (PROP). Also called: GLYCINEMIA, KETOTIC; HYPERGLYCINEMIA WITH KETOACIDOSIS AND LEUKOPENIA; KETOTIC HYPERGLYCINEMIA. Identifiers: Orphanet 35, MedGen C0268579, MONDO:0011628, OMIM 606054, HP:0003571.

Allele frequency attached by ClinVar (database versions not stated): gnomAD exomes 0.00015 and 0.00044; ExAC 0.00047; ESP Exome Variant Server 0.00092; gnomAD 0.00154 and 0.00163; TOPMed 0.00163; 1000 Genomes Project 0.00300; 1000 Genomes Project 30x 0.00344.
gnomAD v4.1: 485 of 1,614,144 alleles (0.03%); highest among the groups gnomAD compares: African/African-American, 0.48%; 1 homozygote.

Submissions (7):

Labcorp Genetics (formerly Invitae), Labcorp
Classification: Likely benign for Propionic acidemia. Last evaluated: 2026-01-29. Review status: criteria provided, single submitter. Criteria: Invitae Variant Classification Sherloc (09022015). Collection method: clinical testing. Allele origin: germline.

Mayo Clinic Laboratories, Mayo Clinic
Classification: Uncertain significance. Last evaluated: 2025-12-17. Review status: criteria provided, single submitter. Criteria: ACMG Guidelines, 2015. Collection method: clinical testing. Allele origin: germline. Observed: 1 variant allele.
Comment: BS1, PP3_moderate

Blueprint Genetics
Classification: Uncertain significance. Last evaluated: 2024-03-27. Review status: criteria provided, single submitter. Criteria: ACMG Guidelines, 2015. Collection method: clinical testing. Allele origin: germline.

Revvity Omics, Revvity
Classification: Uncertain significance for Propionic acidemia. Last evaluated: 2022-11-14. Review status: criteria provided, single submitter. Criteria: ACMG Guidelines, 2015. Collection method: clinical testing. Allele origin: germline.

GeneDx
Classification: Uncertain significance. Last evaluated: 2020-06-08. Review status: criteria provided, single submitter. Criteria: GeneDx Variant Classification Process June 2021. Collection method: clinical testing. Allele origin: germline. Affected: yes.
Comment: In silico analysis supports that this missense variant has a deleterious effect on protein structure/function; Has not been previously published as pathogenic or benign to our knowledge

Women's Health and Genetics/Laboratory Corporation of America, LabCorp
Classification: Likely benign. Last evaluated: 2019-02-07. Review status: criteria provided, single submitter. Criteria: LabCorp Variant Classification Summary - May 2015. Collection method: clinical testing. Allele origin: germline.
Comment: Variant summary: PCCB c.774C>G (p.His258Gln) results in a non-conservative amino acid change located in the Acetyl-coenzyme A carboxyltransferase, N-terminal domain of the encoded protein sequence. Four of five in-silico tools predict a damaging effect of the variant on protein function. The variant allele was found at a frequency of 0.00054 in 277206 control chromosomes, predominantly at a frequency of 0.0049 within the African subpopulation in the gnomAD database. The observed variant frequency within African control individuals in the gnomAD database is approximately 2 fold of the estimated maximal expected allele frequency for a pathogenic variant in PCCB causing Propionic Acidemia phenotype (0.0025), strongly suggesting that the variant is a benign polymorphism found primarily in populations of African origin. To our knowledge, no occurrence of c.774C>G in individuals affected with Propionic Acidemia and no experimental evidence demonstrating its impact on protein function have been reported. No clinical diagnostic laboratories have submitted clinical-significance assessments for this variant to ClinVar after 2014. Based on the evidence outlined above, the variant was classified as likely benign.

Natera, Inc.
Classification: Uncertain significance for Propionic acidemia. Last evaluated: 2019-11-11. Review status: no assertion criteria provided. Collection method: clinical testing. Allele origin: germline. Not counted in ClinVar's aggregate classification.

NM_000532.5(PCCB):c.774C>G (p.His258Gln)

Gene: PCCB (propionyl-CoA carboxylase subunit beta; plus strand). Cytogenetic location: 3q22.3.
Variant type: single nucleotide variant.
Coding change: c.774C>G on transcript NM_000532.5 (MANE Select); coding-DNA position 774, C replaced by G.
Protein change: p.His258Gln; replaces histidine 258 with glutamine.
Molecular consequence: missense variant.
Genome position (GRCh38, 1-based): chr3:136,297,962, C>G. VCF-style: chr3-136297962-C-G. GRCh37 (hg19) VCF-style: chr3-136016804-C-G.
Other names: p.His258Gln; c.834C>G, p.His278Gln (NM_001178014.2); short protein forms H258Q, H278Q.
Identifiers: ClinVar variation 704622 (VCV000704622.19), dbSNP rs141615209, ClinGen allele CA2631870.